The following is an entry in ClinVar:

ClinVar aggregate classification (germline): Uncertain significance. Review status: criteria provided, multiple submitters, no conflicts (2 of 4 stars). 3 submissions from 3 submitters: Uncertain significance (3). Last evaluated 2024-10-08.

Conditions:
Inborn genetic diseases. Identifiers: MedGen C0950123, MeSH D030342.
Alopecia universalis congenita (ALUNC). Also called: ATRICHIA, GENERALIZED. Identifiers: Orphanet 701, MedGen C1859877, MONDO:0008757, OMIM 203655.
Atrichia with papular lesions (APL). Also called: PAPULAR ATRICHIA. Identifiers: Orphanet 86819, MedGen C1859592, MONDO:0008847, OMIM 209500.

Allele frequency attached by ClinVar (database versions not stated): gnomAD exomes 0.00003; TOPMed 0.00004.
gnomAD v4.1: 41 of 1,555,530 alleles (0.0026%); highest among the groups gnomAD compares: East Asian, 0.015%; no homozygotes.

Submissions (3):

Ambry Genetics
Classification: Uncertain significance for Inborn genetic diseases. Last evaluated: 2024-10-08. Review status: criteria provided, single submitter. Criteria: Ambry Variant Classification Scheme 2023. Collection method: clinical testing. Allele origin: germline.

Labcorp Genetics (formerly Invitae), Labcorp
Classification: Uncertain significance. Last evaluated: 2024-04-29. Review status: criteria provided, single submitter. Criteria: Invitae Variant Classification Sherloc (09022015). Collection method: clinical testing. Allele origin: germline.
Comment: This sequence change replaces threonine, which is neutral and polar, with methionine, which is neutral and non-polar, at codon 649 of the HR protein (p.Thr649Met). The frequency data for this variant in the population databases is considered unreliable, as metrics indicate poor data quality at this position in the gnomAD database. This variant has not been reported in the literature in individuals affected with HR-related conditions. ClinVar contains an entry for this variant (Variation ID: 1901618). An algorithm developed to predict the effect of missense changes on protein structure and function (PolyPhen-2) suggests that this variant is likely to be tolerated. In summary, the available evidence is currently insufficient to determine the role of this variant in disease. Therefore, it has been classified as a Variant of Uncertain Significance.

Department of Pathology and Laboratory Medicine, Sinai Health System
Classification: Uncertain significance for Alopecia universalis congenita; Atrichia with papular lesions. Last evaluated: 2020-07-17. Review status: criteria provided, single submitter. Criteria: ACMG Guidelines, 2015. Collection method: research. Allele origin: germline.

NM_005144.5(HR):c.1946C>T (p.Thr649Met)

Gene: HR (HR lysine demethylase and nuclear receptor corepressor; minus strand). Cytogenetic location: 8p21.3.
Variant type: single nucleotide variant.
Coding change: c.1946C>T on transcript NM_005144.5 (MANE Select); coding-DNA position 1946, C replaced by T.
Protein change: p.Thr649Met; replaces threonine 649 with methionine.
Molecular consequence: missense variant.
Genome position (GRCh38, 1-based): chr8:22,122,849, G>A on the plus strand (C>T on the coding strand, the complement: HR is on the minus strand). VCF-style: chr8-22122849-G-A. GRCh37 (hg19) VCF-style: chr8-21980362-G-A.
Other names: c.1946C>T (NM_005144.4); c.1946C>T, p.Thr649Met (NM_018411.4); short protein forms T649M.
Identifiers: ClinVar variation 1901618 (VCV001901618.7), dbSNP rs750804675, ClinGen allele CA4662297.